The following is an entry in ClinVar:

ClinVar aggregate classification (germline): Pathogenic/Likely pathogenic. Review status: criteria provided, multiple submitters, no conflicts (2 of 4 stars). 2 submissions from 2 submitters: Pathogenic (1); Likely pathogenic (1). Last evaluated 2024-11-01.

Conditions:
CAMTA1-related disorder. Also called: CAMTA1-related condition.

Submissions (2):

Blueprint Genetics
Classification: Likely pathogenic for CAMTA1-related disorders. Last evaluated: 2024-11-01. Review status: criteria provided, single submitter. Criteria: ACMG Guidelines, 2015. Collection method: clinical testing. Allele origin: germline. Affected: yes. Observed: 1 variant allele.

GeneDx
Classification: Pathogenic. Last evaluated: 2018-04-04. Review status: criteria provided, single submitter. Criteria: GeneDx Variant Classification (06012015). Collection method: clinical testing. Allele origin: germline. Affected: yes.
Comment: The c.2446delC variant in the CAMTA1 gene has not been reported previously as a pathogenic variant nor as a benign variant, to our knowledge. The c.2446delC variant causes a frameshift starting with codon Glutamine 816, changes this amino acid to an Arginine residue, and creates a premature Stop codon at position 18 of the new reading frame, denoted p.Gln816ArgfsX18. This variant is predicted to cause loss of normal protein function either through protein truncation or nonsense-mediated mRNA decay. The c.2446delC variant is not observed in large population cohorts (Lek et al., 2016). We interpret c.2446delC as a pathogenic variant.

NM_015215.4(CAMTA1):c.2446del (p.Gln816fs)

Gene: CAMTA1 (calmodulin binding transcription activator 1; plus strand). Cytogenetic location: 1p36.23.
Variant type: Deletion.
Coding change: c.2446del on transcript NM_015215.4 (MANE Select); coding-DNA position 2446, one base deleted (C; older notation c.2446delC).
Protein change: p.Gln816fs; shifts the reading frame from glutamine 816.
Molecular consequence: frameshift variant.
Genome position (GRCh38, 1-based): chr1:7,664,993, C deleted; the last of 3 consecutive C bases (chr1:7,664,991-7,664,993); deleting any one gives the same sequence. VCF-style (leftmost placement, unchanged base first): chr1-7664990-AC-A. GRCh37 (hg19) VCF-style: chr1-7725050-AC-A.
Other names: c.2356del, p.Gln786fs (NM_001349608.2, NM_001349612.2); c.2446del, p.Gln816fs (NM_001349609.2, NM_001349610.2); short protein forms Q786fs, Q816fs.
Identifiers: ClinVar variation 524037 (VCV000524037.3), dbSNP rs1553240332, ClinGen allele CA658795387.